The following is an entry in ClinVar:

ClinVar aggregate classification (germline): Uncertain significance. Review status: criteria provided, multiple submitters, no conflicts (2 of 4 stars). 7 submissions from 7 submitters: Uncertain significance (7). Last evaluated 2026-01-05.

Conditions:
Classic or attenuated familial adenomatous polyposis. Identifiers: MedGen CN372698, MONDO:0021057.
Hereditary cancer-predisposing syndrome. Also called: Neoplastic Syndromes, Hereditary; Tumor predisposition; Hereditary Cancer Syndrome; Hereditary neoplastic syndrome. Identifiers: Orphanet 140162, MedGen C0027672, MeSH D009386, MONDO:0015356.
Familial adenomatous polyposis 1 (FAP1). Also called: FAMILIAL ADENOMATOUS POLYPOSIS 1, ATTENUATED; POLYPOSIS, ADENOMATOUS INTESTINAL. Identifiers: MedGen C2713442, MONDO:0021056, OMIM 175100. Disease mechanism: loss of function.

Submissions (7):

Labcorp Genetics (formerly Invitae), Labcorp
Classification: Uncertain significance for Familial adenomatous polyposis 1. Last evaluated: 2026-01-05. Review status: criteria provided, single submitter. Criteria: Invitae Variant Classification Sherloc (09022015). Collection method: clinical testing. Allele origin: germline.
Comment: This variant, c.6811_6813del, results in the deletion of 1 amino acid(s) of the APC protein (p.Pro2271del), but otherwise preserves the integrity of the reading frame. This variant is present in population databases (rs761567827, gnomAD 0.003%). This variant has not been reported in the literature in individuals affected with APC-related conditions. ClinVar contains an entry for this variant (Variation ID: 186999). Experimental studies and prediction algorithms are not available or were not evaluated, and the functional significance of this variant is currently unknown. In summary, the available evidence is currently insufficient to determine the role of this variant in disease. Therefore, it has been classified as a Variant of Uncertain Significance.

Ambry Genetics
Classification: Uncertain significance for Hereditary cancer-predisposing syndrome. Last evaluated: 2025-11-14. Review status: criteria provided, single submitter. Criteria: Ambry Variant Classification Scheme 2023. Collection method: clinical testing. Allele origin: germline.
Comment: The c.6811_6813delCCT variant (also known as p.P2271del) is located in coding exon 15 of the APC gene. This variant results from an in-frame CCT deletion at nucleotide positions 6811 to 6813. This results in the in-frame deletion of a proline at codon 2271. This amino acid position is highly conserved in available vertebrate species. In addition, this alteration is predicted to be neutral by in silico analysis (Choi Y et al. PLoS ONE. 2012; 7(10):e46688). Since supporting evidence is limited at this time, the clinical significance of this alteration remains unclear.

Quest Diagnostics Nichols Institute San Juan Capistrano
Classification: Uncertain significance. Last evaluated: 2025-07-18. Review status: criteria provided, single submitter. Criteria: Quest Diagnostics criteria. Collection method: clinical testing. Allele origin: unknown.
Comment: The APC c.6811_6813del (p.Pro2271del) variant has not been reported in the germline of individuals with APC-related conditions in the published literature. The frequency of this variant in the general population (Genome Aggregation Database) is uninformative in the assessment of its pathogenicity. Based on the available information, we are unable to determine the clinical significance of this variant.

All of Us Research Program, National Institutes of Health
Classification: Uncertain significance for Classic or attenuated familial adenomatous polyposis. Last evaluated: 2024-05-14. Review status: criteria provided, single submitter. Criteria: ACMG Guidelines, 2015. Collection method: clinical testing. Allele origin: germline. Inheritance: Autosomal dominant inheritance. Observed: 1 variant allele, 1 heterozygote.
Comment: This variant causes a deletion of one amino acid in exon 16 of the APC gene. To our knowledge, functional studies have not been reported for this variant. This variant has not been reported in individuals affected with APC-related disorders in the literature. This variant has been identified in 3/251010 chromosomes in the general population by the Genome Aggregation Database (gnomAD). The available evidence is insufficient to determine the role of this variant in disease conclusively. Therefore, this variant is classified as a Variant of Uncertain Significance.

This study involves interpretation of variants in research participants for the purpose of population health screening. Participant phenotype was not available at the time of variant classification. Additional details can be found in publication PMID: 35346344, PMCID: PMC8962531

Color Diagnostics, LLC DBA Color Health
Classification: Uncertain significance for Hereditary cancer-predisposing syndrome. Last evaluated: 2024-04-23. Review status: criteria provided, single submitter. Criteria: ACMG Guidelines, 2015. Collection method: clinical testing. Allele origin: germline.
Comment: This variant causes a deletion of one amino acid in exon 16 of the APC gene. To our knowledge, functional studies have not been reported for this variant. This variant has not been reported in individuals affected with APC-related disorders in the literature. This variant has been identified in 3/251010 chromosomes in the general population by the Genome Aggregation Database (gnomAD). The available evidence is insufficient to determine the role of this variant in disease conclusively. Therefore, this variant is classified as a Variant of Uncertain Significance.

GeneDx
Classification: Uncertain significance. Last evaluated: 2024-01-19. Review status: criteria provided, single submitter. Criteria: GeneDx Variant Classification Process June 2021. Collection method: clinical testing. Allele origin: germline. Affected: yes.
Comment: In-frame deletion of 1 amino acid in a non-repeat region; In silico analysis supports that this variant does not alter protein structure/function; Not observed at significant frequency in large population cohorts (gnomAD); Has not been previously published as pathogenic or benign to our knowledge; This variant is associated with the following publications: (PMID: 18199528, 36243179)

Baylor Genetics
Classification: Uncertain significance for Familial adenomatous polyposis 1. Last evaluated: 2023-05-05. Review status: criteria provided, single submitter. Criteria: ACMG Guidelines, 2015. Collection method: clinical testing. Allele origin: unknown.

Literature cited by the submitters: PubMed 36243179 (cited by Quest Diagnostics Nichols Institute San Juan Capistrano); PubMed 33599171 (cited by Quest Diagnostics Nichols Institute San Juan Capistrano); PubMed 32980694 (cited by Quest Diagnostics Nichols Institute San Juan Capistrano).

NM_000038.6(APC):c.6811_6813del (p.Pro2271del)

Gene: APC (APC regulator of Wnt signaling pathway; plus strand). Cytogenetic location: 5q22.2.
Variant type: Deletion.
Coding change: c.6811_6813del on transcript NM_000038.6 (MANE Select); coding-DNA positions 6811 to 6813, 3 bases deleted (CCT; older notation c.6811_6813delCCT).
Protein change: p.Pro2271del; deletes proline 2271.
Molecular consequence: inframe deletion.
Genome position (GRCh38, 1-based): chr5:112,842,405-112,842,407, CCT deleted; deleting any 3 consecutive bases within chr5:112,842,403-112,842,407 gives the same sequence; the c. name uses the placement nearest the transcript's 3' end. VCF-style (leftmost placement, unchanged base first): chr5-112842402-TCTC-T. GRCh37 (hg19) VCF-style: chr5-112178099-TCTC-T.
Other names: c.6811_6813del, p.Pro2271del (NM_001127510.3, NM_001354895.2); c.6757_6759del, p.Pro2253del (NM_001127511.3); c.6865_6867del, p.Pro2289del (NM_001354896.2); c.6841_6843del, p.Pro2281del (NM_001354897.2); c.6736_6738del, p.Pro2246del (NM_001354898.2); c.6727_6729del, p.Pro2243del (NM_001354899.2); c.6688_6690del, p.Pro2230del (NM_001354900.2); c.6634_6636del, p.Pro2212del (NM_001354901.2); and 5 more; short protein forms P2253del, P2271del, P2111del, P2212del, P1988del, P2170del, P2180del, P2230del.
Identifiers: ClinVar variation 186999 (VCV000186999.28), dbSNP rs786203391, ClinGen allele CA012530.